The following is an entry in ClinVar:

ClinVar aggregate classification (germline): Conflicting classifications of pathogenicity. Review status: criteria provided, conflicting classifications (1 of 4 stars). 3 submissions from 3 submitters: Uncertain significance (2); Likely benign (1). Last evaluated 2025-11-19.

Conditions:
Inborn genetic diseases. Identifiers: MedGen C0950123, MeSH D030342.

Allele frequency attached by ClinVar (database versions not stated): gnomAD exomes 0.00001 and 0.00002; ExAC 0.00004; TOPMed 0.00010; ESP Exome Variant Server 0.00015; gnomAD 0.00015; 1000 Genomes Project 0.00020; 1000 Genomes Project 30x 0.00031.
gnomAD v4.1: 35 of 1,614,238 alleles (0.0022%); highest among the groups gnomAD compares: African/African-American, 0.041%; no homozygotes.

Submissions (3):

Ambry Genetics
Classification: Uncertain significance for Inborn genetic diseases. Last evaluated: 2025-11-19. Review status: criteria provided, single submitter. Criteria: Ambry Variant Classification Scheme 2023. Collection method: clinical testing. Allele origin: germline.

Labcorp Genetics (formerly Invitae), Labcorp
Classification: Uncertain significance. Last evaluated: 2022-07-06. Review status: criteria provided, single submitter. Criteria: Invitae Variant Classification Sherloc (09022015). Collection method: clinical testing. Allele origin: germline.
Comment: This sequence change replaces histidine, which is basic and polar, with proline, which is neutral and non-polar, at codon 231 of the ADAMTS18 protein (p.His231Pro). This variant is present in population databases (rs374655034, gnomAD 0.05%). This variant has not been reported in the literature in individuals affected with ADAMTS18-related conditions. ClinVar contains an entry for this variant (Variation ID: 1024438). Algorithms developed to predict the effect of missense changes on protein structure and function output the following: SIFT: "Not Available"; PolyPhen-2: "Benign"; Align-GVGD: "Not Available". The proline amino acid residue is found in multiple mammalian species, which suggests that this missense change does not adversely affect protein function. In summary, the available evidence is currently insufficient to determine the role of this variant in disease. Therefore, it has been classified as a Variant of Uncertain Significance.

Blueprint Genetics
Classification: Likely benign. Last evaluated: 2022-03-29. Review status: criteria provided, single submitter. Criteria: ACMG Guidelines, 2015. Collection method: clinical testing. Allele origin: germline.

NM_199355.4(ADAMTS18):c.692A>C (p.His231Pro)

Gene: ADAMTS18 (ADAM metallopeptidase with thrombospondin type 1 motif 18; minus strand). Cytogenetic location: 16q23.1.
Variant type: single nucleotide variant.
Coding change: c.692A>C on transcript NM_199355.4 (MANE Select); coding-DNA position 692, A replaced by C.
Protein change: p.His231Pro; replaces histidine 231 with proline.
Molecular consequence: missense variant.
Genome position (GRCh38, 1-based): chr16:77,367,527, T>G on the plus strand (A>C on the coding strand, the complement: ADAMTS18 is on the minus strand). VCF-style: chr16-77367527-T-G. GRCh37 (hg19) VCF-style: chr16-77401424-T-G.
Other names: c.692A>C (NM_199355.2); c.172A>C, p.Thr58Pro (NM_001326358.2); short protein forms H231P, T58P.
Identifiers: ClinVar variation 1024438 (VCV001024438.9), dbSNP rs374655034, ClinGen allele CA8181593.